The following is an entry in ClinVar:

NM_005458.8(GABBR2):c.2077G>A (p.Gly693Arg)

Gene: GABBR2 (gamma-aminobutyric acid type B receptor subunit 2; minus strand). Cytogenetic location: 9q22.33.
Variant type: single nucleotide variant.
Coding change: c.2077G>A on transcript NM_005458.8 (MANE Select); coding-DNA position 2077, G replaced by A.
Protein change: p.Gly693Arg; replaces glycine 693 with arginine.
Molecular consequence: missense variant.
Genome position (GRCh38, 1-based): chr9:98,306,273, C>T on the plus strand (G>A on the coding strand, the complement: GABBR2 is on the minus strand). VCF-style: chr9-98306273-C-T. GRCh37 (hg19) VCF-style: chr9-101068555-C-T.
Other names: short protein forms G693R.
Identifiers: ClinVar variation 4884376 (VCV004884376.3).

ClinVar aggregate classification (germline): Conflicting classifications of pathogenicity. Review status: criteria provided, conflicting classifications (1 of 4 stars). 2 submissions from 2 submitters: Likely pathogenic (1); Uncertain significance (1). Last evaluated 2026-06-29.

Conditions:
Neurodevelopmental disorder with poor language and loss of hand skills. Identifiers: MedGen C4693546, MONDO:0060659, OMIM 617903.

Submissions (2):

Laboratory of Medical Genetics, University of Torino
Classification: Likely pathogenic for Neurodevelopmental disorder with poor language and loss of hand skills. Last evaluated: 2026-06-29. Review status: criteria provided, single submitter. Criteria: ACMG Guidelines, 2015. Collection method: clinical testing. Allele origin: de novo. Affected: yes.

Dasa
Classification: Uncertain significance. Last evaluated: 2025-05-28. Review status: criteria provided, single submitter. Criteria: DASA Assertion Criteria. Collection method: clinical testing. Allele origin: germline.
Comment: NM_005458.8(GABBR2):c.2077G>A (p.Gly693Arg) is a missense variant that results in the substitution of glycine with arginine. The affected residue or protein region has prior evidence supporting clinical relevance. This variant is absent from population databases. Computational prediction algorithms are consistent with a deleterious effect. The currently available literature and clinical evidence are not sufficient to establish a definitive association between this variant and the reported condition. Therefore, this variant is classified as a variant of uncertain significance.